The following is an entry in ClinVar:

NM_006421.5(ARFGEF1):c.1807G>C (p.Val603Leu)

Gene: ARFGEF1 (ADP ribosylation factor guanine nucleotide exchange factor 1; minus strand). Cytogenetic location: 8q13.2.
Variant type: single nucleotide variant.
Coding change: c.1807G>C on transcript NM_006421.5 (MANE Select); coding-DNA position 1807, G replaced by C.
Protein change: p.Val603Leu; replaces valine 603 with leucine.
Molecular consequence: missense variant.
Genome position (GRCh38, 1-based): chr8:67,267,096, C>G on the plus strand (G>C on the coding strand, the complement: ARFGEF1 is on the minus strand). VCF-style: chr8-67267096-C-G. GRCh37 (hg19) VCF-style: chr8-68179331-C-G.
Other names: short protein forms V603L.
Identifiers: ClinVar variation 1699685 (VCV001699685.2), dbSNP rs1348395111, ClinGen allele CA371216440.

ClinVar aggregate classification (germline): Uncertain significance (1 of 4 stars; one submission).

Submission:

GeneDx
Classification: Uncertain significance. Last evaluated: 2022-02-01. Review status: criteria provided, single submitter. Criteria: GeneDx Variant Classification Process June 2021. Collection method: clinical testing. Allele origin: germline. Affected: yes.
Comment: Not observed at significant frequency in large population cohorts (gnomAD); In silico analysis supports that this missense variant does not alter protein structure/function; Has not been previously published as pathogenic or benign to our knowledge; Variants in candidate genes are classified as variants of uncertain significance in accordance with ACMG guidelines (Richards et al., 2015)